The following is an entry in ClinVar:

ClinVar aggregate classification (germline): Uncertain significance. Review status: criteria provided, multiple submitters, no conflicts (2 of 4 stars). 2 submissions from 2 submitters: Uncertain significance (2). Last evaluated 2024-10-25.

Conditions:
Isolated growth hormone deficiency type IB (IGHD1B). Also called: IGHD IB; IGHD 1B. Identifiers: Orphanet 231671, Orphanet 631, MedGen C2748571, MONDO:0013006, OMIM 612781.

Allele frequency attached by ClinVar (database versions not stated): 1000 Genomes Project 0.00020; 1000 Genomes Project 30x 0.00016.
gnomAD v4.1: 39 of 1,609,324 alleles (0.0024%); highest among the groups gnomAD compares: South Asian, 0.041%; no homozygotes.

Submissions (2):

Labcorp Genetics (formerly Invitae), Labcorp
Classification: Uncertain significance. Last evaluated: 2024-10-25. Review status: criteria provided, single submitter. Criteria: Invitae Variant Classification Sherloc (09022015). Collection method: clinical testing. Allele origin: germline.
Comment: This sequence change replaces serine, which is neutral and polar, with tryptophan, which is neutral and slightly polar, at codon 292 of the GHRHR protein (p.Ser292Trp). This variant is present in population databases (rs527387367, gnomAD 0.03%). This variant has not been reported in the literature in individuals affected with GHRHR-related conditions. ClinVar contains an entry for this variant (Variation ID: 360035). Invitae Evidence Modeling of protein sequence and biophysical properties (such as structural, functional, and spatial information, amino acid conservation, physicochemical variation, residue mobility, and thermodynamic stability) indicates that this missense variant is expected to disrupt GHRHR protein function with a positive predictive value of 80%. Experimental studies are conflicting or provide insufficient evidence to determine the effect of this variant on GHRHR function (PMID: 33060564). In summary, the available evidence is currently insufficient to determine the role of this variant in disease. Therefore, it has been classified as a Variant of Uncertain Significance.

Illumina Laboratory Services, Illumina
Classification: Uncertain significance for Isolated growth hormone deficiency type IB. Last evaluated: 2018-01-13. Review status: criteria provided, single submitter. Criteria: ICSL Variant Classification Criteria 13 December 2019. Collection method: clinical testing. Allele origin: germline.

Literature cited by the submitters: PubMed 33060564 (cited by Labcorp Genetics (formerly Invitae), Labcorp).

NM_000823.4(GHRHR):c.875C>G (p.Ser292Trp)

Gene: GHRHR (growth hormone releasing hormone receptor; plus strand). Cytogenetic location: 7p14.3.
Variant type: single nucleotide variant.
Coding change: c.875C>G on transcript NM_000823.4 (MANE Select); coding-DNA position 875, C replaced by G.
Protein change: p.Ser292Trp; replaces serine 292 with tryptophan.
Molecular consequence: missense variant.
Genome position (GRCh38, 1-based): chr7:30,975,033, C>G. VCF-style: chr7-30975033-C-G. GRCh37 (hg19) VCF-style: chr7-31014648-C-G.
Other names: short protein forms S292W.
Identifiers: ClinVar variation 360035 (VCV000360035.6), dbSNP rs527387367, ClinGen allele CA4208694.
Genomic context (GRCh38, chr7:30,975,033, plus strand): 5'-GCTGGGACCTGGACGACACCTCCCCCTACTGGTGGATCATCAAAGGGCCCATTGTCCTCT[C>G]GGTCGGGGTCAGTCCCTGGGCCAGTGCCCTTTGCTTTATTCAGTCAACTTCCCTGGAACT-3'
Protein context (NP_000814.2, residues 282-302): WWIIKGPIVL[Ser292Trp]VGVNFGLFLN